The following is an entry in ClinVar:

ClinVar aggregate classification (germline): Uncertain significance (1 of 4 stars; one submission).

Conditions:
Congenital contractural arachnodactyly (CCA). Also called: BEALS SYNDROME; Beals-Hecht syndrome; Arthrogryposis, distal, type 9. Identifiers: Orphanet 115, MedGen C0220668, MONDO:0007363, OMIM 121050.

gnomAD v4.1: 2 of 1,614,108 alleles (0.00012%); highest among the groups gnomAD compares: Non-Finnish European, 0.000085%; no homozygotes.

Submission:

Labcorp Genetics (formerly Invitae), Labcorp
Classification: Uncertain significance for Congenital contractural arachnodactyly. Last evaluated: 2025-05-25. Review status: criteria provided, single submitter. Criteria: Invitae Variant Classification Sherloc (09022015). Collection method: clinical testing. Allele origin: germline.
Comment: This sequence change replaces glycine, which is neutral and non-polar, with aspartic acid, which is acidic and polar, at codon 1355 of the FBN2 protein (p.Gly1355Asp). This variant is not present in population databases (gnomAD no frequency). This variant has not been reported in the literature in individuals affected with FBN2-related conditions. ClinVar contains an entry for this variant (Variation ID: 2777997). Invitae Evidence Modeling of protein sequence and biophysical properties (such as structural, functional, and spatial information, amino acid conservation, physicochemical variation, residue mobility, and thermodynamic stability) indicates that this missense variant is expected to disrupt FBN2 protein function with a positive predictive value of 80%. In summary, the available evidence is currently insufficient to determine the role of this variant in disease. Therefore, it has been classified as a Variant of Uncertain Significance.

NM_001999.4(FBN2):c.4064G>A (p.Gly1355Asp)

Gene: FBN2 (fibrillin 2; minus strand). Cytogenetic location: 5q23.3.
Variant type: single nucleotide variant.
Coding change: c.4064G>A on transcript NM_001999.4 (MANE Select); coding-DNA position 4064, G replaced by A.
Protein change: p.Gly1355Asp; replaces glycine 1355 with aspartic acid.
Molecular consequence: missense variant.
Genome position (GRCh38, 1-based): chr5:128,334,754, C>T on the plus strand (G>A on the coding strand, the complement: FBN2 is on the minus strand). VCF-style: chr5-128334754-C-T. GRCh37 (hg19) VCF-style: chr5-127670446-C-T.
Other names: short protein forms G1355D.
Identifiers: ClinVar variation 2777997 (VCV002777997.3), dbSNP rs1459918748, ClinGen allele CA360756935.